The following is an entry in ClinVar:

NM_001558.4(IL10RA):c.37C>T (p.Leu13Phe)

Gene: IL10RA (interleukin 10 receptor subunit alpha; plus strand). Cytogenetic location: 11q23.3.
Variant type: single nucleotide variant.
Coding change: c.37C>T on transcript NM_001558.4 (MANE Select); coding-DNA position 37, C replaced by T.
Protein change: p.Leu13Phe; replaces leucine 13 with phenylalanine.
Molecular consequence: missense variant. On other transcripts: non-coding transcript variant (1).
Genome position (GRCh38, 1-based): chr11:117,986,504, C>T. VCF-style: chr11-117986504-C-T. GRCh37 (hg19) VCF-style: chr11-117857219-C-T.
Other names: short protein forms L13F.
Identifiers: ClinVar variation 1036326 (VCV001036326.8), dbSNP rs2057987183, ClinGen allele CA382771975.

ClinVar aggregate classification (germline): Uncertain significance (1 of 4 stars; one submission).

Conditions:
Inflammatory bowel disease 28. Also called: Inflammatory bowel disease 28, early onset, autosomal recessive. Identifiers: Orphanet 238569, MedGen C2751053, MONDO:0013153, OMIM 613148.

Submission:

Labcorp Genetics (formerly Invitae), Labcorp
Classification: Uncertain significance for Inflammatory bowel disease 28. Last evaluated: 2022-08-15. Review status: criteria provided, single submitter. Criteria: Invitae Variant Classification Sherloc (09022015). Collection method: clinical testing. Allele origin: germline.
Comment: This sequence change replaces leucine, which is neutral and non-polar, with phenylalanine, which is neutral and non-polar, at codon 13 of the IL10RA protein (p.Leu13Phe). This variant is not present in population databases (gnomAD no frequency). This variant has not been reported in the literature in individuals affected with IL10RA-related conditions. ClinVar contains an entry for this variant (Variation ID: 1036326). Algorithms developed to predict the effect of missense changes on protein structure and function are either unavailable or do not agree on the potential impact of this missense change (SIFT: "Tolerated"; PolyPhen-2: "Not Available"; Align-GVGD: "Class C0"). In summary, the available evidence is currently insufficient to determine the role of this variant in disease. Therefore, it has been classified as a Variant of Uncertain Significance.